The following is an entry in ClinVar:

ClinVar aggregate classification (germline): Uncertain significance (1 of 4 stars; one submission).

Submission:

Labcorp Genetics (formerly Invitae), Labcorp
Classification: Uncertain significance. Last evaluated: 2023-08-03. Review status: criteria provided, single submitter. Criteria: Invitae Variant Classification Sherloc (09022015). Collection method: clinical testing. Allele origin: germline.
Comment: In summary, the available evidence is currently insufficient to determine the role of this variant in disease. Therefore, it has been classified as a Variant of Uncertain Significance. Advanced modeling of protein sequence and biophysical properties (such as structural, functional, and spatial information, amino acid conservation, physicochemical variation, residue mobility, and thermodynamic stability) performed at Invitae indicates that this missense variant is not expected to disrupt ABCA3 protein function. This variant has not been reported in the literature in individuals affected with ABCA3-related conditions. This variant is not present in population databases (gnomAD no frequency). This sequence change replaces aspartic acid, which is acidic and polar, with glutamic acid, which is acidic and polar, at codon 551 of the ABCA3 protein (p.Asp551Glu).

NM_001089.3(ABCA3):c.1653C>G (p.Asp551Glu)

Gene: ABCA3 (ATP binding cassette subfamily A member 3; minus strand). Cytogenetic location: 16p13.3.
Variant type: single nucleotide variant.
Coding change: c.1653C>G on transcript NM_001089.3 (MANE Select); coding-DNA position 1653, C replaced by G.
Protein change: p.Asp551Glu; replaces aspartic acid 551 with glutamic acid.
Molecular consequence: missense variant.
Genome position (GRCh38, 1-based): chr16:2,299,491, G>C on the plus strand (C>G on the coding strand, the complement: ABCA3 is on the minus strand). VCF-style: chr16-2299491-G-C. GRCh37 (hg19) VCF-style: chr16-2349492-G-C.
Other names: short protein forms D551E.
Identifiers: ClinVar variation 2988870 (VCV002988870.3), dbSNP rs2505644403, ClinGen allele CA394334397.